The following is an entry in ClinVar:

ClinVar aggregate classification (germline): Benign/Likely benign. Review status: criteria provided, multiple submitters, no conflicts (2 of 4 stars). 4 submissions from 4 submitters: Benign (1); Likely benign (2). 1 of the submissions does not count toward it. Last evaluated 2025-08-20.

Conditions:
CDKN2A-related disorder. Also called: CDKN2A-related condition.
Hereditary cancer-predisposing syndrome. Also called: Tumor predisposition; Neoplastic Syndromes, Hereditary; Hereditary neoplastic syndrome; Hereditary Cancer Syndrome. Identifiers: Orphanet 140162, MedGen C0027672, MeSH D009386, MONDO:0015356.
Melanoma-pancreatic cancer syndrome. Identifiers: Orphanet 404560, MedGen C1838547, MONDO:0011713, OMIM 606719. Disease mechanism: loss of function.

gnomAD v4.1: 2 of 1,613,792 alleles (0.00012%); highest among the groups gnomAD compares: South Asian, 0.0022%; no homozygotes.

Submissions (4):

Myriad Genetics, Inc.
Classification: Benign for Melanoma-pancreatic cancer syndrome. Last evaluated: 2025-08-20. Review status: criteria provided, single submitter. Criteria: Myriad Autosomal Dominant, Autosomal Recessive and X-Linked Classification Criteria (2023). Collection method: clinical testing. Allele origin: unknown.
Comment: This variant is considered benign. This variant occurs in the non-coding 3' untranslated region of the gene, and is not expected to impact protein function.

Color Diagnostics, LLC DBA Color Health
Classification: Likely benign for Hereditary cancer-predisposing syndrome. Last evaluated: 2018-03-29. Review status: criteria provided, single submitter. Criteria: ACMG Guidelines, 2015. Collection method: clinical testing. Allele origin: germline.

GeneDx
Classification: Likely benign. Last evaluated: 2016-04-03. Review status: criteria provided, single submitter. Criteria: GeneDx Variant Classification (06012015). Collection method: clinical testing. Allele origin: germline. Affected: yes.
Comment: This variant is considered likely benign or benign based on one or more of the following criteria: it is a conservative change, it occurs at a poorly conserved position in the protein, it is predicted to be benign by multiple in silico algorithms, and/or has population frequency not consistent with disease.

PreventionGenetics, part of Exact Sciences
Classification: Likely benign for CDKN2A-related condition. Last evaluated: 2023-05-11. Review status: no assertion criteria provided. Collection method: clinical testing. Allele origin: germline. Not counted in ClinVar's aggregate classification.
Comment: This variant is classified as likely benign based on ACMG/AMP sequence variant interpretation guidelines (Richards et al. 2015 PMID: 25741868, with internal and published modifications).

NM_000077.5(CDKN2A):c.*8A>G

Gene: CDKN2A (cyclin dependent kinase inhibitor 2A; minus strand). Cytogenetic location: 9p21.3.
Variant type: single nucleotide variant.
Coding change: c.*8A>G on transcript NM_000077.5; 8 bases downstream of the stop codon, A replaced by G.
Molecular consequence: 3 prime UTR variant (on NM_001195132.2).
Genome position (GRCh38, 1-based): chr9:21,968,221, T>C on the plus strand (A>G on the coding strand, the complement: CDKN2A is on the minus strand). VCF-style: chr9-21968221-T-C. GRCh37 (hg19) VCF-style: chr9-21968220-T-C.
Other names: c.*8A>G (NM_000077.6, NM_001363763.2); c.*172A>G (NM_001195132.2); c.*123A>G (NM_058195.4); c.*402A>G (NM_058197.5).
Identifiers: ClinVar variation 385300 (VCV000385300.6), dbSNP rs763795863, ClinGen allele CA16605506.